The following is an entry in ClinVar:

NM_181882.3(PRX):c.3482G>A (p.Gly1161Glu)

Gene: PRX (periaxin; minus strand). Cytogenetic location: 19q13.2.
Variant type: single nucleotide variant.
Coding change: c.3482G>A on transcript NM_181882.3 (MANE Select); coding-DNA position 3482, G replaced by A.
Protein change: p.Gly1161Glu; replaces glycine 1161 with glutamic acid.
Molecular consequence: missense variant. On other transcripts: 3 prime UTR variant (1).
Genome position (GRCh38, 1-based): chr19:40,394,870, C>T on the plus strand (G>A on the coding strand, the complement: PRX is on the minus strand). VCF-style: chr19-40394870-C-T. GRCh37 (hg19) VCF-style: chr19-40900777-C-T.
Other names: c.3767G>A, p.Gly1256Glu (NM_001411127.1); c.*3687G>A (NM_020956.2); short protein forms G1161E, G1256E.
Identifiers: ClinVar variation 2415675 (VCV002415675.7), dbSNP rs762202297, ClinGen allele CA9443848.

ClinVar aggregate classification (germline): Uncertain significance. Review status: criteria provided, multiple submitters, no conflicts (2 of 4 stars). 2 submissions from 2 submitters: Uncertain significance (2). Last evaluated 2024-08-19.

Conditions:
Charcot-Marie-Tooth disease type 4. Also called: Charcot-Marie-Tooth, Type 4; Charcot-Marie-Tooth disease, type IV. Identifiers: Orphanet 64749, MedGen C4082197, MONDO:0018995.
Inborn genetic diseases. Identifiers: MedGen C0950123, MeSH D030342.

Allele frequency attached by ClinVar (database versions not stated): TOPMed below 0.00001; ExAC 0.00001.
gnomAD v4.1: 4 of 1,611,942 alleles (0.00025%); highest among the groups gnomAD compares: Admixed American, 0.0017%; no homozygotes.

Submissions (2):

Ambry Genetics
Classification: Uncertain significance for Inborn genetic diseases. Last evaluated: 2024-08-19. Review status: criteria provided, single submitter. Criteria: Ambry Variant Classification Scheme 2023. Collection method: clinical testing. Allele origin: germline.

Labcorp Genetics (formerly Invitae), Labcorp
Classification: Uncertain significance for Charcot-Marie-Tooth disease type 4. Last evaluated: 2022-02-09. Review status: criteria provided, single submitter. Criteria: Invitae Variant Classification Sherloc (09022015). Collection method: clinical testing. Allele origin: germline.
Comment: This sequence change replaces glycine, which is neutral and non-polar, with glutamic acid, which is acidic and polar, at codon 1161 of the PRX protein (p.Gly1161Glu). The frequency data for this variant in the population databases is considered unreliable, as metrics indicate poor data quality at this position in the gnomAD database. This variant has not been reported in the literature in individuals affected with PRX-related conditions. Algorithms developed to predict the effect of missense changes on protein structure and function are either unavailable or do not agree on the potential impact of this missense change (SIFT: "Deleterious"; PolyPhen-2: "Probably Damaging"; Align-GVGD: "Class C0"). In summary, the available evidence is currently insufficient to determine the role of this variant in disease. Therefore, it has been classified as a Variant of Uncertain Significance.